The following is an entry in ClinVar:

ClinVar aggregate classification (germline): Benign/Likely benign. Review status: criteria provided, multiple submitters, no conflicts (2 of 4 stars). 4 submissions from 4 submitters: Benign (1); Likely benign (3). Last evaluated 2026-03-01.

Conditions:
SLC12A2-related disorder. Also called: SLC12A2-related condition; SLC12A2-related disorders.
Hearing loss, autosomal dominant 78. Also called: DEAFNESS, AUTOSOMAL DOMINANT 78. Identifiers: MedGen C5436768, MONDO:0033665, OMIM 619081.
Delpire-McNeill syndrome. Also called: SLC12A2-related autosomal dominant infantile-developmental delay-intellectual disability-sensorineural deafness syndrome. Identifiers: Orphanet 633024, MedGen C5436771, MONDO:0033667, OMIM 619083.
Kilquist syndrome (KILQS). Also called: SLC12A2-related autosomal recessive neonatal-developmental delay-intellectual disability-feeding difficulty-sensorineural deafness syndrome. Identifiers: Orphanet 633021, MedGen C5436756, MONDO:0033664, OMIM 619080.

Allele frequency attached by ClinVar (database versions not stated): gnomAD exomes 0.00005 and 0.00015; ExAC 0.00018; ESP Exome Variant Server 0.00031; 1000 Genomes Project 0.00040; gnomAD 0.00046 and 0.00051; TOPMed 0.00052.
gnomAD v4.1: 152 of 1,612,694 alleles (0.0094%); highest among the groups gnomAD compares: African/African-American, 0.13%; no homozygotes.

Submissions (4):

CeGaT Center for Human Genetics Tuebingen
Classification: Likely benign. Last evaluated: 2026-03-01. Review status: criteria provided, single submitter. Criteria: CeGaT Center For Human Genetics Tuebingen Variant Classification Criteria Version 2. Collection method: clinical testing. Allele origin: germline. Affected: yes. Observed: 1 variant allele.
Comment: SLC12A2: BP4, BP7

Labcorp Genetics (formerly Invitae), Labcorp
Classification: Benign. Last evaluated: 2025-06-24. Review status: criteria provided, single submitter. Criteria: Invitae Variant Classification Sherloc (09022015). Collection method: clinical testing. Allele origin: germline.

PreventionGenetics, part of Exact Sciences
Classification: Likely benign for SLC12A2-related condition. Last evaluated: 2025-04-29. Review status: criteria provided, single submitter. Criteria: ACMG Guidelines, 2015. Collection method: clinical testing. Allele origin: germline.
Comment: This variant is classified as likely benign based on ACMG/AMP sequence variant interpretation guidelines (Richards et al. 2015 PMID: 25741868, with internal and published modifications).

Fulgent Genetics
Classification: Likely benign for Kilquist syndrome; Hearing loss, autosomal dominant 78; Delpire-McNeill syndrome. Last evaluated: 2021-12-11. Review status: criteria provided, single submitter. Criteria: ACMG Guidelines, 2015. Collection method: clinical testing. Allele origin: unknown.

NM_001046.3(SLC12A2):c.495C>T (p.Asp165=)

Gene: SLC12A2 (solute carrier family 12 member 2; plus strand). Cytogenetic location: 5q23.3.
Variant type: single nucleotide variant.
Coding change: c.495C>T on transcript NM_001046.3 (MANE Select); coding-DNA position 495, C replaced by T.
Protein change: p.Asp165=; no amino-acid change (aspartic acid 165 retained).
Molecular consequence: synonymous variant. On other transcripts: non-coding transcript variant (1).
Genome position (GRCh38, 1-based): chr5:128,084,449, C>T. VCF-style: chr5-128084449-C-T. GRCh37 (hg19) VCF-style: chr5-127420141-C-T.
Other names: c.495C>T (NM_001046.2); c.495C>T, p.Asp165= (NM_001256461.2).
Identifiers: ClinVar variation 1660246 (VCV001660246.14), dbSNP rs138234695, ClinGen allele CA3392819.